The following is an entry in ClinVar:

ClinVar aggregate classification (germline): Likely benign (1 of 4 stars; one submission).

gnomAD v4.1: 77 of 1,572,696 alleles (0.0049%); highest among the groups gnomAD compares: Admixed American, 0.028%; no homozygotes.

Submission:

CeGaT Center for Human Genetics Tuebingen
Classification: Likely benign. Last evaluated: 2026-07-01. Review status: criteria provided, single submitter. Criteria: CeGaT Center For Human Genetics Tuebingen Variant Classification Criteria Version 2. Collection method: clinical testing. Allele origin: germline. Affected: yes. Observed: 1 variant allele.
Comment: ZFHX4: BP4, BP7

NM_024721.5(ZFHX4):c.6309C>T (p.Asp2103=)

Gene: ZFHX4 (zinc finger homeobox 4; plus strand). Cytogenetic location: 8q21.13.
Variant type: single nucleotide variant.
Coding change: c.6309C>T on transcript NM_024721.5 (MANE Select); coding-DNA position 6309, C replaced by T.
Protein change: p.Asp2103=; no amino-acid change (aspartic acid 2103 retained).
Molecular consequence: synonymous variant.
Genome position (GRCh38, 1-based): chr8:76,853,230, C>T. VCF-style: chr8-76853230-C-T. GRCh37 (hg19) VCF-style: chr8-77765466-C-T.
Other names: c.6231C>T, p.Asp2077= (NM_001410934.1).
Identifiers: ClinVar variation 5039193 (VCV005039193.1).